The following is an entry in ClinVar:

ClinVar aggregate classification (germline): Uncertain significance (1 of 4 stars; one submission).

Submission:

GeneDx
Classification: Uncertain significance. Last evaluated: 2024-04-24. Review status: criteria provided, single submitter. Criteria: GeneDx Variant Classification Process June 2021. Collection method: clinical testing. Allele origin: germline. Affected: yes.
Comment: Not observed at significant frequency in large population cohorts (gnomAD); In silico analysis supports that this missense variant has a deleterious effect on protein structure/function; Has not been previously published as pathogenic or benign to our knowledge

NM_033409.4(SLC52A3):c.1100C>T (p.Ser367Phe)

Gene: SLC52A3 (solute carrier family 52 member 3; minus strand). Cytogenetic location: 20p13.
Variant type: single nucleotide variant.
Coding change: c.1100C>T on transcript NM_033409.4 (MANE Select); coding-DNA position 1100, C replaced by T.
Protein change: p.Ser367Phe; replaces serine 367 with phenylalanine.
Molecular consequence: missense variant.
Genome position (GRCh38, 1-based): chr20:761,798, G>A on the plus strand (C>T on the coding strand, the complement: SLC52A3 is on the minus strand). VCF-style: chr20-761798-G-A. GRCh37 (hg19) VCF-style: chr20-742442-G-A.
Other names: c.1100C>T, p.Ser367Phe (NM_001370085.1, NM_001370086.1); short protein forms S367F.
Identifiers: ClinVar variation 3372996 (VCV003372996.1).
Genomic context (GRCh38, chr20:761,798, plus strand): 5'-GGGCAGGGGCTCATCACCGCCATGGCCATGTTGTAGCCCCCAAAGCAGGTCCCAAGCACG[G>A]AGAGGACCCCCAGGAACAGCAGAGACCTAGAGGAAAGTAGGGGAGGTGAGTGGAGGTGAG-3'
Protein context (NP_212134.3, residues 357-377): NRSLLFLGVL[Ser367Phe]VLGTCFGGYN